The following is an entry in ClinVar:

NM_017654.4(SAMD9):c.77A>T (p.His26Leu)

Gene: SAMD9 (sterile alpha motif domain containing 9; minus strand). Cytogenetic location: 7q21.2.
Variant type: single nucleotide variant.
Coding change: c.77A>T on transcript NM_017654.4 (MANE Select); coding-DNA position 77, A replaced by T.
Protein change: p.His26Leu; replaces histidine 26 with leucine.
Molecular consequence: missense variant.
Genome position (GRCh38, 1-based): chr7:93,106,021, T>A on the plus strand (A>T on the coding strand, the complement: SAMD9 is on the minus strand). VCF-style: chr7-93106021-T-A. GRCh37 (hg19) VCF-style: chr7-92735334-T-A.
Other names: c.77A>T, p.His26Leu (NM_001193307.2); short protein forms H26L.
Identifiers: ClinVar variation 3437014 (VCV003437014.1).

ClinVar aggregate classification (germline): Uncertain significance (1 of 4 stars; one submission).

Conditions:
Inborn genetic diseases. Identifiers: MedGen C0950123, MeSH D030342.

Submission:

Ambry Genetics
Classification: Uncertain significance for Inborn genetic diseases. Last evaluated: 2024-11-21. Review status: criteria provided, single submitter. Criteria: Ambry Variant Classification Scheme 2023. Collection method: clinical testing. Allele origin: germline.
Comment: The p.H26L variant (also known as c.77A>T), located in coding exon 1 of the SAMD9 gene, results from an A to T substitution at nucleotide position 77. The histidine at codon 26 is replaced by leucine, an amino acid with similar properties. This amino acid position is conserved. In addition, this alteration is predicted to be tolerated by in silico analysis. Based on the available evidence, the clinical significance of this variant remains unclear.